The following is an entry in ClinVar:

ClinVar aggregate classification (germline): Likely pathogenic (1 of 4 stars; one submission).

Conditions:
Primary dilated cardiomyopathy (DCM). Also called: Dilated Cardiomyopathy. Identifiers: Orphanet 217604, MedGen C0007193, MeSH D002311, MONDO:0005021, HP:0001644. Inheritance: Various modes of inheritance.

Submission:

Petrovsky National Research Centre of Surgery, The Federal Agency for Scientific Organizations
Classification: Likely pathogenic for Primary dilated cardiomyopathy. Last evaluated: 2019-09-09. Review status: criteria provided, single submitter. Criteria: ACMG Guidelines, 2015. Collection method: clinical testing. Allele origin: unknown. Inheritance: Autosomal dominant inheritance. Affected: yes. Observed: 1 heterozygote.
Comment: The p.Asn418MetfsTer3 variant was not reported in any study to our knowledge. This variant has an extremely low frequency of occurence (rs768079285). Nebulette protein truncation has a severe functional consequences (PMID: 10470015, 11822876). NEBL gene is known to be in association with various cardiomyopathies (PMID: 27186169). Based on this evidences the p.Asn418MetfsTer3 is classified as likely pathogenic.

NM_006393.3(NEBL):c.1253del (p.Asn418fs)

Gene: NEBL (nebulette; minus strand). Cytogenetic location: 10p12.31.
Variant type: Deletion.
Coding change: c.1253del on transcript NM_006393.3 (MANE Select); coding-DNA position 1253, one base deleted (A; older notation c.1253delA).
Protein change: p.Asn418fs; shifts the reading frame from asparagine 418.
Molecular consequence: frameshift variant. On other transcripts: intron variant (9).
Genome position (GRCh38, 1-based): chr10:20,840,824, T deleted on the plus strand (A on the coding strand, the reverse complement: NEBL is on the minus strand); the first of 4 consecutive T bases (chr10:20,840,824-20,840,827); deleting any one gives the same sequence. VCF-style (leftmost placement, unchanged base first): chr10-20840823-AT-A. GRCh37 (hg19) VCF-style: chr10-21129752-AT-A.
Other names: c.250-27884del (NM_001377326.1, NM_001377327.1, NM_001377328.1); c.358-27884del (NM_213569.2, NM_001173484.2, NM_001377322.1); c.301-27884del (NM_001377324.1); c.292-27884del (NM_001377325.1); c.310-27884del (NM_001377323.1); short protein forms N418fs.
Identifiers: ClinVar variation 689490 (VCV000689490.3), dbSNP rs768079285, ClinGen allele CA5432930.